The following is an entry in ClinVar:

NM_005359.6(SMAD4):c.1289dup (p.Tyr430Ter)

Gene: SMAD4 (SMAD family member 4; plus strand). Cytogenetic location: 18q21.2.
Variant type: Duplication.
Coding change: c.1289dup on transcript NM_005359.6 (MANE Select); coding-DNA position 1289, one base duplicated (A; older notation c.1289dupA).
Protein change: p.Tyr430Ter; replaces tyrosine 430 with a stop codon.
Molecular consequence: nonsense. On other transcripts: frameshift variant (3).
Genome position (GRCh38, 1-based): chr18:51,067,168, A duplicated. VCF-style (leftmost placement, unchanged base first): chr18-51067167-T-TA. GRCh37 (hg19) VCF-style: chr18-48593537-T-TA.
Other names: c.1289dup, p.Tyr430Terfs (NM_001407041.1, NM_001407042.1); c.1289dupA (NM_005359.5); short protein forms Y430*.
Identifiers: ClinVar variation 1769038 (VCV001769038.2), dbSNP rs2511384815, ClinGen allele CA2580095831.

ClinVar aggregate classification (germline): Pathogenic (1 of 4 stars; one submission).

Conditions:
Familial thoracic aortic aneurysm and aortic dissection (TAAD). Also called: Thoracic aortic aneurysms and dissections. Identifiers: Orphanet 91387, MedGen C4707243, MONDO:0019625.
Hereditary cancer-predisposing syndrome. Also called: Hereditary Cancer Syndrome; Hereditary neoplastic syndrome; Neoplastic Syndromes, Hereditary; Tumor predisposition. Identifiers: Orphanet 140162, MedGen C0027672, MeSH D009386, MONDO:0015356.

Submission:

Ambry Genetics
Classification: Pathogenic for Hereditary cancer-predisposing syndrome; Familial thoracic aortic aneurysm and aortic dissection. Last evaluated: 2017-11-21. Review status: criteria provided, single submitter. Criteria: Ambry Variant Classification Scheme 2023. Collection method: clinical testing. Allele origin: germline.
Comment: The c.1289dupA pathogenic mutation (also known as p.Y430*), located in coding exon 9 of the SMAD4 gene, results from a duplication of A at nucleotide position 1289. This changes the amino acid from a tyrosine to a stop codon within coding exon 9. This alteration is expected to result in loss of function by premature protein truncation or nonsense-mediated mRNA decay. As such, this alteration is interpreted as a disease-causing mutation.